The following is an entry in ClinVar:

NM_000051.4(ATM):c.3468G>T (p.Thr1156=)

Gene: ATM (ATM serine/threonine kinase; plus strand). Cytogenetic location: 11q22.3.
Variant type: single nucleotide variant.
Coding change: c.3468G>T on transcript NM_000051.4 (MANE Select); coding-DNA position 3468, G replaced by T.
Protein change: p.Thr1156=; no amino-acid change (threonine 1156 retained).
Molecular consequence: synonymous variant.
Genome position (GRCh38, 1-based): chr11:108,281,060, G>T. VCF-style: chr11-108281060-G-T. GRCh37 (hg19) VCF-style: chr11-108151787-G-T.
Other names: c.3468G>T, p.Thr1156= (NM_001351834.2).
Identifiers: ClinVar variation 1731701 (VCV001731701.8), dbSNP rs148358896, ClinGen allele CA476672838.

ClinVar aggregate classification (germline): Benign/Likely benign. Review status: criteria provided, multiple submitters, no conflicts (2 of 4 stars). 3 submissions from 3 submitters: Benign (1); Likely benign (2). Last evaluated 2024-05-14.

Conditions:
Familial cancer of breast. Also called: BREAST CANCER, FAMILIAL; Hereditary breast cancer; hereditary breast carcinoma. Identifiers: Orphanet 227535, MedGen C0346153, MONDO:0016419, OMIM 114480. Disease mechanism: loss of function.
Ataxia-telangiectasia syndrome (AT). Also called: LOUIS-BAR SYNDROME; Cerebello-oculocutaneous telangiectasia; Immunodeficiency with ataxia telangiectasia; Ataxia-telangiectasia, complementation group D; AT, COMPLEMENTATION GROUP C; ATAXIA-TELANGIECTASIA, COMPLEMENTATION GROUP A. Identifiers: Orphanet 100, MedGen C0004135, MONDO:0008840, OMIM 208900.
Hereditary cancer-predisposing syndrome. Also called: Neoplastic Syndromes, Hereditary; Tumor predisposition; Hereditary Cancer Syndrome; Hereditary neoplastic syndrome. Identifiers: Orphanet 140162, MedGen C0027672, MeSH D009386, MONDO:0015356.

Submissions (3):

Myriad Genetics, Inc.
Classification: Benign for Familial cancer of breast. Last evaluated: 2024-05-14. Review status: criteria provided, single submitter. Criteria: Myriad Autosomal Dominant, Autosomal Recessive and X-Linked Classification Criteria (2023). Collection method: clinical testing. Allele origin: unknown.
Comment: This variant is considered benign. This variant is a silent/synonymous amino acid change and it is not expected to impact splicing.

Labcorp Genetics (formerly Invitae), Labcorp
Classification: Likely benign for Ataxia-telangiectasia syndrome. Last evaluated: 2022-08-09. Review status: criteria provided, single submitter. Criteria: Invitae Variant Classification Sherloc (09022015). Collection method: clinical testing. Allele origin: germline.

Ambry Genetics
Classification: Likely benign for Hereditary cancer-predisposing syndrome. Last evaluated: 2020-12-18. Review status: criteria provided, single submitter. Criteria: Ambry Variant Classification Scheme 2023. Collection method: clinical testing. Allele origin: germline.